The following is an entry in ClinVar:

NM_002691.4(POLD1):c.2527C>G (p.Leu843Val)

Gene: POLD1 (DNA polymerase delta 1, catalytic subunit; plus strand). Cytogenetic location: 19q13.33.
Variant type: single nucleotide variant.
Coding change: c.2527C>G on transcript NM_002691.4 (MANE Select); coding-DNA position 2527, C replaced by G.
Protein change: p.Leu843Val; replaces leucine 843 with valine.
Molecular consequence: missense variant. On other transcripts: non-coding transcript variant (1).
Genome position (GRCh38, 1-based): chr19:50,414,953, C>G. VCF-style: chr19-50414953-C-G. GRCh37 (hg19) VCF-style: chr19-50918210-C-G.
Other names: c.2527C>G, p.Leu843Val (NM_001256849.1, NM_001438212.1, NM_001438213.1); c.2605C>G, p.Leu869Val (NM_001308632.1); c.2455C>G, p.Leu819Val (NM_001438210.1, NM_001438211.1); short protein forms L819V, L869V, L843V.
Identifiers: ClinVar variation 4736652 (VCV004736652.1).

ClinVar aggregate classification (germline): Uncertain significance (1 of 4 stars; one submission).

Conditions:
POLD1-related polyposis and colorectal cancer syndrome (CRCS10). Also called: COLORECTAL CANCER, SUSCEPTIBILITY TO, ON CHROMOSOME 19q; Colorectal cancer 10; Colorectal cancer, susceptibility to, 10. Identifiers: Orphanet 220460, MedGen C2675481, MONDO:0012953, OMIM 612591.

Submission:

Labcorp Genetics (formerly Invitae), Labcorp
Classification: Uncertain significance for POLD1-related polyposis and colorectal cancer syndrome. Last evaluated: 2025-06-08. Review status: criteria provided, single submitter. Criteria: Invitae Variant Classification Sherloc (09022015). Collection method: clinical testing. Allele origin: germline.
Comment: This sequence change replaces leucine, which is neutral and non-polar, with valine, which is neutral and non-polar, at codon 843 of the POLD1 protein (p.Leu843Val). This variant is not present in population databases (gnomAD no frequency). This variant has not been reported in the literature in individuals affected with POLD1-related conditions. Invitae Evidence Modeling of protein sequence and biophysical properties (such as structural, functional, and spatial information, amino acid conservation, physicochemical variation, residue mobility, and thermodynamic stability) indicates that this missense variant is not expected to disrupt POLD1 protein function with a negative predictive value of 80%. In summary, the available evidence is currently insufficient to determine the role of this variant in disease. Therefore, it has been classified as a Variant of Uncertain Significance.